The following is an entry in ClinVar:

ClinVar aggregate classification (germline): Likely benign. Review status: criteria provided, multiple submitters, no conflicts (2 of 4 stars). 5 submissions from 5 submitters: Likely benign (4). 1 of the submissions does not count toward it. Last evaluated 2026-01-17.

Conditions:
ATP6V1B1-related disorder. Also called: ATP6V1B1-related condition.
Renal tubular acidosis with progressive nerve deafness. Also called: renal tubular acidosis, distal, 2, with progressive sensorineural hearing loss; Distal Renal Tubular Acidosis with Progressive Sensorineural Deafness; RENAL TUBULAR ACIDOSIS, AUTOSOMAL RECESSIVE, WITH PROGRESSIVE NERVE DEAFNESS; RTA WITH PROGRESSIVE NERVE DEAFNESS. Identifiers: MedGen C0403554, MONDO:0009968, OMIM 267300.

Allele frequency attached by ClinVar (database versions not stated): gnomAD exomes 0.00003 and 0.00010; ExAC 0.00012; ESP Exome Variant Server 0.00031; gnomAD 0.00044 and 0.00050; TOPMed 0.00053; 1000 Genomes Project 0.00060; 1000 Genomes Project 30x 0.00062.
gnomAD v4.1: 117 of 1,614,184 alleles (0.0072%); highest among the groups gnomAD compares: African/African-American, 0.12%; no homozygotes.

Submissions (5):

Labcorp Genetics (formerly Invitae), Labcorp
Classification: Likely benign. Last evaluated: 2026-01-17. Review status: criteria provided, single submitter. Criteria: Invitae Variant Classification Sherloc (09022015). Collection method: clinical testing. Allele origin: germline.

Blueprint Genetics
Classification: Likely benign. Last evaluated: 2022-11-14. Review status: criteria provided, single submitter. Criteria: ACMG Guidelines, 2015. Collection method: clinical testing. Allele origin: germline.

Fulgent Genetics
Classification: Likely benign for Renal tubular acidosis with progressive nerve deafness. Last evaluated: 2022-04-19. Review status: criteria provided, single submitter. Criteria: ACMG Guidelines, 2015. Collection method: clinical testing. Allele origin: unknown.

Laboratory for Molecular Medicine, Mass General Brigham Personalized Medicine
Classification: Likely benign. Last evaluated: 2016-12-22. Review status: criteria provided, single submitter. Criteria: LMM Criteria. Collection method: clinical testing. Allele origin: germline. Observed: 1 variant allele.
Comment: p.Val412Val in Exon 12 of ATP6V1B1: This variant is not expected to have clinica l significance because it does not alter an amino acid residue and is not locate d within the splice consensus sequence. It has been identified in 0.1% (13/10400 ) of African chromosomes by the Exome Aggregation Consortium (ExAC.; dbSNP rs147229014).

PreventionGenetics, part of Exact Sciences
Classification: Likely benign for ATP6V1B1-related condition. Last evaluated: 2020-12-08. Review status: no assertion criteria provided. Collection method: clinical testing. Allele origin: germline. Not counted in ClinVar's aggregate classification.
Comment: This variant is classified as likely benign based on ACMG/AMP sequence variant interpretation guidelines (Richards et al. 2015 PMID: 25741868, with internal and published modifications).

NM_001692.4(ATP6V1B1):c.1236C>G (p.Val412=)

Gene: ATP6V1B1 (ATPase H+ transporting V1 subunit B1; plus strand). Cytogenetic location: 2p13.3.
Variant type: single nucleotide variant.
Coding change: c.1236C>G on transcript NM_001692.4 (MANE Select); coding-DNA position 1236, C replaced by G.
Protein change: p.Val412=; no amino-acid change (valine 412 retained).
Molecular consequence: synonymous variant.
Genome position (GRCh38, 1-based): chr2:70,964,530, C>G. VCF-style: chr2-70964530-C-G. GRCh37 (hg19) VCF-style: chr2-71191660-C-G.
Identifiers: ClinVar variation 504552 (VCV000504552.19), dbSNP rs147229014, ClinGen allele CA1701299.
Genomic context (GRCh38, chr2:70,964,530, plus strand): 5'-GTCGCGGCTGATGAAGTCAGCCATTGGGGAAGGCATGACAAGAAAGGACCATGGAGATGT[C>G]TCCAACCAGCTGGTAAGGAGAAGAGGGTCCGGGGGCTGGTAGGTCCTCTAGTTTCCGAAG-3'
Protein context (NP_001683.2, residues 402-422): EGMTRKDHGD[Val412=]SNQLYACYAI